The following is an entry in ClinVar:

ClinVar aggregate classification (germline): Uncertain significance (1 of 4 stars; one submission).

Conditions:
Inborn genetic diseases. Identifiers: MedGen C0950123, MeSH D030342.

Allele frequency attached by ClinVar (database versions not stated): gnomAD exomes below 0.00001.
gnomAD v4.1: 1 of 1,613,962 alleles (0.000062%); highest among the groups gnomAD compares: Non-Finnish European, 0.000085%; no homozygotes.

Submission:

Ambry Genetics
Classification: Uncertain significance for Inborn genetic diseases. Last evaluated: 2024-09-08. Review status: criteria provided, single submitter. Criteria: Ambry Variant Classification Scheme 2023. Collection method: clinical testing. Allele origin: germline.
Comment: The p.A999S variant (also known as c.2995G>T), located in coding exon 23 of the LRRK2 gene, results from a G to T substitution at nucleotide position 2995. The alanine at codon 999 is replaced by serine, an amino acid with similar properties. This amino acid position is conserved. In addition, this alteration is predicted to be tolerated by in silico analysis. Since supporting evidence is limited at this time, the clinical significance of this alteration remains unclear.

NM_198578.4(LRRK2):c.2995G>T (p.Ala999Ser)

Gene: LRRK2 (leucine rich repeat kinase 2; plus strand). Cytogenetic location: 12q12.
Variant type: single nucleotide variant.
Coding change: c.2995G>T on transcript NM_198578.4 (MANE Select); coding-DNA position 2995, G replaced by T.
Protein change: p.Ala999Ser; replaces alanine 999 with serine.
Molecular consequence: missense variant.
Genome position (GRCh38, 1-based): chr12:40,295,543, G>T. VCF-style: chr12-40295543-G-T. GRCh37 (hg19) VCF-style: chr12-40689345-G-T.
Other names: short protein forms A999S.
Identifiers: ClinVar variation 1798571 (VCV001798571.3), dbSNP rs2499728906, ClinGen allele CA384412771.